The following is an entry in ClinVar:

NM_003906.5(MCM3AP):c.3094T>C (p.Ser1032Pro)

Gene: MCM3AP (minichromosome maintenance complex component 3 associated protein; minus strand). Cytogenetic location: 21q22.3.
Variant type: single nucleotide variant.
Coding change: c.3094T>C on transcript NM_003906.5 (MANE Select); coding-DNA position 3094, T replaced by C.
Protein change: p.Ser1032Pro; replaces serine 1032 with proline.
Molecular consequence: missense variant.
Genome position (GRCh38, 1-based): chr21:46,265,461, A>G on the plus strand (T>C on the coding strand, the complement: MCM3AP is on the minus strand). VCF-style: chr21-46265461-A-G. GRCh37 (hg19) VCF-style: chr21-47685375-A-G.
Other names: short protein forms S1032P.
Identifiers: ClinVar variation 2515063 (VCV002515063.4), dbSNP rs756082859, ClinGen allele CA321986048.

ClinVar aggregate classification (germline): Conflicting classifications of pathogenicity. Review status: criteria provided, conflicting classifications (1 of 4 stars). 2 submissions from 2 submitters: Uncertain significance (1); Likely benign (1). Last evaluated 2024-11-03.

Conditions:
Inborn genetic diseases. Identifiers: MedGen C0950123, MeSH D030342.

Allele frequency attached by ClinVar (database versions not stated): gnomAD 0.00003; TOPMed 0.00004.
gnomAD v4.1: 31 of 1,613,486 alleles (0.0019%); highest among the groups gnomAD compares: Admixed American, 0.013%; no homozygotes.

Submissions (2):

Labcorp Genetics (formerly Invitae), Labcorp
Classification: Uncertain significance. Last evaluated: 2024-11-03. Review status: criteria provided, single submitter. Criteria: Invitae Variant Classification Sherloc (09022015). Collection method: clinical testing. Allele origin: germline.
Comment: This sequence change replaces serine, which is neutral and polar, with proline, which is neutral and non-polar, at codon 1032 of the MCM3AP protein (p.Ser1032Pro). This variant is present in population databases (rs756082859, gnomAD 0.01%). This variant has not been reported in the literature in individuals affected with MCM3AP-related conditions. ClinVar contains an entry for this variant (Variation ID: 2515063). An algorithm developed to predict the effect of missense changes on protein structure and function outputs the following: PolyPhen-2: "Benign". The proline amino acid residue is found in multiple mammalian species, which suggests that this missense change does not adversely affect protein function. In summary, the available evidence is currently insufficient to determine the role of this variant in disease. Therefore, it has been classified as a Variant of Uncertain Significance.

Ambry Genetics
Classification: Likely benign for Inborn genetic diseases. Last evaluated: 2023-05-24. Review status: criteria provided, single submitter. Criteria: Ambry Variant Classification Scheme 2023. Collection method: clinical testing. Allele origin: germline.